The following is an entry in ClinVar:

ClinVar aggregate classification (germline): Likely pathogenic (1 of 4 stars; one submission).

Conditions:
Hereditary cancer-predisposing syndrome. Also called: Neoplastic Syndromes, Hereditary; Tumor predisposition; Hereditary Cancer Syndrome; Hereditary neoplastic syndrome. Identifiers: Orphanet 140162, MedGen C0027672, MeSH D009386, MONDO:0015356.

Submission:

Color Diagnostics, LLC DBA Color Health
Classification: Likely pathogenic for Hereditary cancer-predisposing syndrome. Last evaluated: 2024-12-16. Review status: criteria provided, single submitter. Criteria: ACMG Guidelines, 2015. Collection method: clinical testing. Allele origin: germline.
Comment: This variant changes 1 nucleotide in exon 16/16 of the MUTYH gene, creating a premature translation stop signal. While this variant is expected to escape nonsense-mediate decay, it is predicted to truncate the C-terminus of the protein that has been shown to be important for PCNA binding and impact base excision repair (PMID: 11092888, 11433026, 11864576). To our knowledge, this variant has not been reported in individuals affected with MUTYH-related disorders in the literature. This variant has not been identified in the general population by the Genome Aggregation Database (gnomAD). Loss of MUTYH function is a known mechanism of disease. Based on the available evidence, this variant is classified as Likely Pathogenic.

Literature cited by the submitters: PubMed 11092888; PubMed 11433026; PubMed 11864576.

NM_001048174.2(MUTYH):c.1467C>A (p.Cys489Ter)

Gene: MUTYH (mutY DNA glycosylase; minus strand). Cytogenetic location: 1p34.1.
Variant type: single nucleotide variant.
Coding change: c.1467C>A on transcript NM_001048174.2 (MANE Select); coding-DNA position 1467, C replaced by A.
Protein change: p.Cys489Ter; replaces cysteine 489 with a stop codon.
Molecular consequence: nonsense. On other transcripts: non-coding transcript variant (7).
Genome position (GRCh38, 1-based): chr1:45,329,405, G>T on the plus strand (C>A on the coding strand, the complement: MUTYH is on the minus strand). VCF-style: chr1-45329405-G-T. GRCh37 (hg19) VCF-style: chr1-45795077-G-T.
Other names: c.1467C>A, p.Cys489Ter (NM_001407081.1, NM_001407089.1, NM_001407088.1 and 6 more transcripts); c.1122C>A, p.Cys374Ter (NM_001407082.1, NM_001350650.2, NM_001350651.2); c.1191C>A, p.Cys397Ter (NM_001407091.1, NM_001293192.2, NM_001293196.2); c.1542C>A, p.Cys514Ter (NM_012222.3); c.1425C>A, p.Cys475Ter (NM_001407080.1); c.1470C>A, p.Cys490Ter (NM_001407078.1, NM_001407086.1, NM_001048172.2 and 1 more transcripts); c.1428C>A, p.Cys476Ter (NM_001407079.1); c.1509C>A, p.Cys503Ter (NM_001407083.1, NM_001407085.1); and 5 more; short protein forms C374*, C397*, C461*, C475*, C476*, C489*, C490*, C496*.
Identifiers: ClinVar variation 3893879 (VCV003893879.1).